The following is an entry in ClinVar:

ClinVar aggregate classification (germline): Likely benign (0 of 4 stars; one submission).

Conditions:
HLTF-related disorder. Also called: HLTF-related condition.

Allele frequency attached by ClinVar (database versions not stated): gnomAD exomes 0.00010; ExAC 0.00025; 1000 Genomes Project 0.00060; 1000 Genomes Project 30x 0.00078; gnomAD 0.00081; ESP Exome Variant Server 0.00092; TOPMed 0.00110.

Submission:

PreventionGenetics, part of Exact Sciences
Classification: Likely benign for HLTF-related condition. Last evaluated: 2022-03-30. Review status: no assertion criteria provided. Collection method: clinical testing. Allele origin: germline.
Comment: This variant is classified as likely benign based on ACMG/AMP sequence variant interpretation guidelines (Richards et al. 2015 PMID: 25741868, with internal and published modifications).

NM_003071.4(HLTF):c.1255G>A (p.Val419Ile)

Gene: HLTF (helicase like transcription factor; minus strand). Cytogenetic location: 3q24.
Variant type: single nucleotide variant.
Coding change: c.1255G>A on transcript NM_003071.4 (MANE Select); coding-DNA position 1255, G replaced by A.
Protein change: p.Val419Ile; replaces valine 419 with isoleucine.
Molecular consequence: missense variant.
Genome position (GRCh38, 1-based): chr3:149,060,673, C>T on the plus strand (G>A on the coding strand, the complement: HLTF is on the minus strand). VCF-style: chr3-149060673-C-T. GRCh37 (hg19) VCF-style: chr3-148778460-C-T.
Other names: c.1255G>A, p.Val419Ile (NM_001318934.2, NM_001318935.2, NM_139048.3); short protein forms V419I.
Identifiers: ClinVar variation 3051658 (VCV003051658.2), dbSNP rs140350337, ClinGen allele CA2659285.